The following is an entry in ClinVar:

ClinVar aggregate classification (germline): Uncertain significance (1 of 4 stars; one submission).

Conditions:
Primary ciliary dyskinesia. Also called: Ciliary dyskinesia. Identifiers: Orphanet 244, MedGen C0008780, MONDO:0016575, HP:0012265.

Allele frequency attached by ClinVar (database versions not stated): gnomAD exomes below 0.00001; ExAC 0.00001.
gnomAD v4.1: 1 of 1,613,734 alleles (0.000062%); highest among the groups gnomAD compares: Non-Finnish European, 0.000085%; no homozygotes.

Submission:

Ambry Genetics
Classification: Uncertain significance for Primary ciliary dyskinesia. Last evaluated: 2024-01-29. Review status: criteria provided, single submitter. Criteria: Ambry Variant Classification Scheme 2023. Collection method: clinical testing. Allele origin: germline.
Comment: The p.S890I variant (also known as c.2669G>T), located in coding exon 16 of the CCDC40 gene, results from a G to T substitution at nucleotide position 2669. The serine at codon 890 is replaced by isoleucine, an amino acid with dissimilar properties. This amino acid position is conserved. In addition, this alteration is predicted to be tolerated by in silico analysis. Based on the available evidence, the clinical significance of this alteration remains unclear.

NM_017950.4(CCDC40):c.2669G>T (p.Ser890Ile)

Gene: CCDC40 (coiled-coil domain 40 molecular ruler complex subunit; plus strand). Cytogenetic location: 17q25.3.
Variant type: single nucleotide variant.
Coding change: c.2669G>T on transcript NM_017950.4 (MANE Select); coding-DNA position 2669, G replaced by T.
Protein change: p.Ser890Ile; replaces serine 890 with isoleucine.
Molecular consequence: missense variant.
Genome position (GRCh38, 1-based): chr17:80,088,060, G>T. VCF-style: chr17-80088060-G-T. GRCh37 (hg19) VCF-style: chr17-78061859-G-T.
Other names: c.2669G>T, p.Ser890Ile (NM_001243342.2); short protein forms S890I.
Identifiers: ClinVar variation 3227111 (VCV003227111.1), dbSNP rs748686060, ClinGen allele CA8814295.